The following is an entry in ClinVar:

NM_001127222.2(CACNA1A):c.2891C>T (p.Pro964Leu)

Gene: CACNA1A (calcium voltage-gated channel subunit alpha1 A; minus strand). Cytogenetic location: 19p13.13.
Variant type: single nucleotide variant.
Coding change: c.2891C>T on transcript NM_001127222.2 (MANE Select); coding-DNA position 2891, C replaced by T.
Protein change: p.Pro964Leu; replaces proline 964 with leucine.
Molecular consequence: missense variant.
Genome position (GRCh38, 1-based): chr19:13,298,742, G>A on the plus strand (C>T on the coding strand, the complement: CACNA1A is on the minus strand). VCF-style: chr19-13298742-G-A. GRCh37 (hg19) VCF-style: chr19-13409556-G-A.
Other names: c.2903C>T, p.Pro968Leu (NM_000068.4, NM_023035.3); c.2894C>T, p.Pro965Leu (NM_001127221.2, NM_001174080.2); short protein forms P968L, P964L, P965L.
Identifiers: ClinVar variation 4789728 (VCV004789728.1).

ClinVar aggregate classification (germline): Uncertain significance (1 of 4 stars; one submission).

Conditions:
Episodic ataxia type 2 (EA2). Also called: ACETAZOLAMIDE-RESPONSIVE HEREDITARY PAROXYSMAL CEREBELLAR ATAXIA; ATAXIA, EPISODIC, WITH NYSTAGMUS; ATAXIA, FAMILIAL PAROXYSMAL; CEREBELLAR ATAXIA, PAROXYSMAL, ACETAZOLAMIDE-RESPONSIVE; CEREBELLOPATHY, HEREDITARY PAROXYSMAL; EPISODIC ATAXIA, NYSTAGMUS-ASSOCIATED. Identifiers: Orphanet 97, MedGen C1720416, MONDO:0007163, OMIM 108500.
Developmental and epileptic encephalopathy, 42 (DEE42A). Also called: Epileptic encephalopathy, early infantile, 42; DEVELOPMENTAL AND EPILEPTIC ENCEPHALOPATHY 42A; EPILEPTIC ENCEPHALOPATHY, EARLY INFANTILE, 42A. Identifiers: MedGen C4310716, MONDO:0014917, OMIM 617106.

gnomAD v4.1: 1 of 1,508,070 alleles (0.000066%); highest among the groups gnomAD compares: Non-Finnish European, 0.000088%; no homozygotes.

Submission:

Labcorp Genetics (formerly Invitae), Labcorp
Classification: Uncertain significance for Developmental and epileptic encephalopathy, 42; Episodic ataxia type 2. Last evaluated: 2025-06-09. Review status: criteria provided, single submitter. Criteria: Invitae Variant Classification Sherloc (09022015). Collection method: clinical testing. Allele origin: germline.
Comment: This sequence change replaces proline, which is neutral and non-polar, with leucine, which is neutral and non-polar, at codon 965 of the CACNA1A protein (p.Pro965Leu). This variant is not present in population databases (gnomAD no frequency). This variant has not been reported in the literature in individuals affected with CACNA1A-related conditions. Invitae Evidence Modeling of protein sequence and biophysical properties (such as structural, functional, and spatial information, amino acid conservation, physicochemical variation, residue mobility, and thermodynamic stability) indicates that this missense variant is not expected to disrupt CACNA1A protein function with a negative predictive value of 95%. In summary, the available evidence is currently insufficient to determine the role of this variant in disease. Therefore, it has been classified as a Variant of Uncertain Significance.